The following is an entry in ClinVar:

ClinVar aggregate classification (germline): Likely benign. Review status: criteria provided, multiple submitters, no conflicts (2 of 4 stars). 2 submissions from 2 submitters: Likely benign (2). Last evaluated 2026-05-01.

Conditions:
Fanconi anemia (FA). Also called: Fanconi's anemia. Identifiers: Orphanet 84, MedGen C0015625, MeSH D005199, MONDO:0019391.

Allele frequency attached by ClinVar (database versions not stated): gnomAD 0.00001; TOPMed 0.00002; ExAC 0.00006.
gnomAD v4.1: 19 of 1,614,122 alleles (0.0012%); highest among the groups gnomAD compares: Admixed American, 0.03%; no homozygotes.

Submissions (2):

CeGaT Center for Human Genetics Tuebingen
Classification: Likely benign. Last evaluated: 2026-05-01. Review status: criteria provided, single submitter. Criteria: CeGaT Center For Human Genetics Tuebingen Variant Classification Criteria Version 2. Collection method: clinical testing. Allele origin: germline. Affected: yes. Observed: 1 variant allele.
Comment: FANCL: BP4, BP7

Labcorp Genetics (formerly Invitae), Labcorp
Classification: Likely benign for Fanconi anemia. Last evaluated: 2025-11-16. Review status: criteria provided, single submitter. Criteria: Invitae Variant Classification Sherloc (09022015). Collection method: clinical testing. Allele origin: germline.

NM_018062.4(FANCL):c.51C>T (p.Pro17=)

Gene: FANCL (FA complementation group L; minus strand). Cytogenetic location: 2p16.1.
Variant type: single nucleotide variant.
Coding change: c.51C>T on transcript NM_018062.4 (MANE Select); coding-DNA position 51, C replaced by T.
Protein change: p.Pro17=; no amino-acid change (proline 17 retained).
Molecular consequence: synonymous variant.
Genome position (GRCh38, 1-based): chr2:58,241,263, G>A on the plus strand (C>T on the coding strand, the complement: FANCL is on the minus strand). VCF-style: chr2-58241263-G-A. GRCh37 (hg19) VCF-style: chr2-58468398-G-A.
Other names: c.51C>T, p.Pro17= (NM_001114636.2, NM_001374615.1, NM_001410792.1).
Identifiers: ClinVar variation 2178176 (VCV002178176.6), dbSNP rs772700022, ClinGen allele CA1670829.
Genomic context (GRCh38, chr2:58,241,263, plus strand): 5'-CCACTGGGCGGGTACCTGAGCCGAGATGAATCCCTCATACACGGTTTTCGACCGGTTCTG[G>A]GGCAGAAGCAGGGGGCACTGGCGCAACAGGCTCGCTTCCGTCACCGCCATGGCTCGAAGT-3'
Protein context (NP_060532.2, residues 7-27): SLLRQCPLLL[Pro17=]QNRSKTVYEG